The following is an entry in ClinVar:

NM_000156.6(GAMT):c.432_433dup (p.His145fs)

Gene: GAMT (guanidinoacetate N-methyltransferase; minus strand). Cytogenetic location: 19p13.3.
Variant type: Duplication.
Coding change: c.432_433dup on transcript NM_000156.6 (MANE Select); coding-DNA positions 432 to 433, 2 bases duplicated (GC; older notation c.432_433dupGC).
Protein change: p.His145fs; shifts the reading frame from histidine 145.
Molecular consequence: frameshift variant.
Genome position (GRCh38, 1-based): chr19:1,399,154-1,399,155, GC duplicated on the plus strand (GC on the coding strand, the reverse complement: GAMT is on the minus strand). VCF-style (leftmost placement, unchanged base first): chr19-1399153-T-TGC. GRCh37 (hg19) VCF-style: chr19-1399152-T-TGC.
Other names: c.432_433dup, p.His145fs (NM_138924.3); c.432_433dup (NM_000156.5); short protein forms H145fs.
Identifiers: ClinVar variation 1374768 (VCV001374768.7), dbSNP rs2144636785, ClinGen allele CA2573155792.
Genomic context (GRCh38, chr19:1,399,153, plus strand): 5'-GGCCTCCCGCATCCCAGCAAGTCAGAGAGAACCACCTTGATGAAGTTGAACTGGTGTGTG[T>TGC]GCCAGGTCTCCTCCGAGAGTGGGTACGTGTCGTACAGGATCCCTGCACGGAGAACAGAAG-3'

ClinVar aggregate classification (germline): Pathogenic/Likely pathogenic. Review status: criteria provided, multiple submitters, no conflicts (2 of 4 stars). 2 submissions from 2 submitters: Pathogenic (1); Likely pathogenic (1). Last evaluated 2025-06-02.

Conditions:
Cerebral creatine deficiency syndrome. Also called: Creatine deficiency syndromes. Identifiers: Orphanet 79172, MedGen C5244016, MONDO:0000456.
Deficiency of guanidinoacetate methyltransferase (CCDS2). Also called: GAMT DEFICIENCY; Guanidinoacetate Methyltransferase (GAMT) Deficiency; CEREBRAL CREATINE DEFICIENCY SYNDROME 2. Identifiers: Orphanet 382, MedGen C0574080, MONDO:0012999, OMIM 612736.

Submissions (2):

Natera, Inc.
Classification: Likely pathogenic for Guanidinoacetate methyltransferase deficiency. Last evaluated: 2025-06-02. Review status: criteria provided, single submitter. Criteria: Natera Variant Classification Schema (03/2026). Collection method: clinical testing. Allele origin: germline.
Comment: The c.432_433dup variant in GAMT is a frameshift variant predicted to shift the reading frame beginning at codon 145 and leads to a stop codon 17 codons downstream. This variant is expected to result in nonsense mediated decay, truncation, or a dysfunctional protein product. This variant is rare in the general population with a frequency below the threshold expected for the associated phenotype(s). Given the available evidence, this variant is classified as Likely Pathogenic.

Labcorp Genetics (formerly Invitae), Labcorp
Classification: Pathogenic for Cerebral creatine deficiency syndrome. Last evaluated: 2021-09-01. Review status: criteria provided, single submitter. Criteria: Invitae Variant Classification Sherloc (09022015). Collection method: clinical testing. Allele origin: germline.
Comment: This sequence change creates a premature translational stop signal (p.His145Argfs*17) in the GAMT gene. It is expected to result in an absent or disrupted protein product. Loss-of-function variants in GAMT are known to be pathogenic (PMID: 15108290). This variant is not present in population databases (ExAC no frequency). This variant has not been reported in the literature in individuals affected with GAMT-related conditions. For these reasons, this variant has been classified as Pathogenic.

Literature cited by the submitters: PubMed 15108290 (cited by Labcorp Genetics (formerly Invitae), Labcorp).